The following is an entry in ClinVar:

ClinVar aggregate classification (germline): Uncertain significance (1 of 4 stars; one submission).

Conditions:
Severe myoclonic epilepsy in infancy (DRVT). Also called: Epileptic encephalopathy, early infantile, 6 (Dravet syndrome); SEVERE MYOCLONIC EPILEPSY OF INFANCY; DEVELOPMENTAL AND EPILEPTIC ENCEPHALOPATHY 6A; Severe Myoclonic Epilepsy in Infancy (SMEI); Dravet syndrome. Identifiers: Orphanet 33069, MedGen C0751122, MONDO:0100135, OMIM 607208.

Allele frequency attached by ClinVar (database versions not stated): gnomAD 0.00001; TOPMed 0.00002.

Submission:

Labcorp Genetics (formerly Invitae), Labcorp
Classification: Uncertain significance for Severe myoclonic epilepsy in infancy. Last evaluated: 2020-07-30. Review status: criteria provided, single submitter. Criteria: Invitae Variant Classification Sherloc (09022015). Collection method: clinical testing. Allele origin: germline.
Comment: In summary, the available evidence is currently insufficient to determine the role of this variant in disease. Therefore, it has been classified as a Variant of Uncertain Significance. Algorithms developed to predict the effect of missense changes on protein structure and function (SIFT, PolyPhen-2, Align-GVGD) all suggest that this variant is likely to be disruptive, but these predictions have not been confirmed by published functional studies and their clinical significance is uncertain. This variant has not been reported in the literature in individuals with SNX27-related conditions. This variant is not present in population databases (ExAC no frequency). This sequence change replaces tyrosine with aspartic acid at codon 342 of the SNX27 protein (p.Tyr342Asp). The tyrosine residue is highly conserved and there is a large physicochemical difference between tyrosine and aspartic acid.

NM_001330723.2(SNX27):c.1024T>G (p.Tyr342Asp)

Gene: SNX27 (sorting nexin 27; plus strand). Cytogenetic location: 1q21.3.
Variant type: single nucleotide variant.
Coding change: c.1024T>G on transcript NM_001330723.2 (MANE Select); coding-DNA position 1024, T replaced by G.
Protein change: p.Tyr342Asp; replaces tyrosine 342 with aspartic acid.
Molecular consequence: missense variant.
Genome position (GRCh38, 1-based): chr1:151,668,510, T>G. VCF-style: chr1-151668510-T-G. GRCh37 (hg19) VCF-style: chr1-151640986-T-G.
Other names: c.1024T>G, p.Tyr342Asp (NM_030918.6); short protein forms Y342D.
Identifiers: ClinVar variation 999102 (VCV000999102.9), dbSNP rs1177213865, ClinGen allele CA341965939.